The following is an entry in ClinVar:

NM_024528.4(NKAP):c.539-17A>T

Gene: NKAP (NFKB activating protein; minus strand). Cytogenetic location: Xq24.
Variant type: single nucleotide variant.
Coding change: c.539-17A>T on transcript NM_024528.4 (MANE Select); 17 bases into the intron before coding-DNA position 539, A replaced by T.
Molecular consequence: intron variant.
Genome position (GRCh38, 1-based): chrX:119,936,448, T>A on the plus strand (A>T on the coding strand, the complement: NKAP is on the minus strand). VCF-style: chrX-119936448-T-A. GRCh37 (hg19) VCF-style: chrX-119070411-T-A.
Other names: NC_000023.10:g.119070411T>A; c.539-17A>T (NM_024528.3).
Identifiers: ClinVar variation 1325905 (VCV001325905.6), dbSNP rs194307, ClinGen allele CA10503845.

ClinVar aggregate classification (germline): Benign. Review status: criteria provided, multiple submitters, no conflicts (2 of 4 stars). 3 submissions from 3 submitters: Benign (2). 1 of the submissions does not count toward it. Last evaluated 2021-09-05.

Conditions:
Intellectual developmental disorder, X-linked, syndromic, Hackmann-Di Donato type. Also called: MENTAL RETARDATION, X-LINKED, WITH MARFANOID HABITUS, 2. Identifiers: Orphanet 700325, MedGen C5393302, MONDO:0026733, OMIM 301039.
NKAP-related disorder. Also called: NKAP-related condition.

Allele frequency attached by ClinVar (database versions not stated): ESP Exome Variant Server 0.57938; TOPMed 0.58891; 1000 Genomes Project 0.62093; 1000 Genomes Project 30x 0.62164.

Submissions (4):

Genome-Nilou Lab
Classification: Benign for Intellectual developmental disorder, X-linked, syndromic, Hackmann-Di Donato type. Last evaluated: 2021-09-05. Review status: criteria provided, single submitter. Criteria: ACMG Guidelines, 2015. Collection method: clinical testing. Allele origin: germline. Affected: no.

Breakthrough Genomics
Classification: Benign. Review status: criteria provided, single submitter. Criteria: ACMG Guidelines, 2015. Collection method: not provided. Allele origin: germline. Inheritance: X-linked inheritance. Affected: yes.

PreventionGenetics, part of Exact Sciences
Classification: Benign for NKAP-related condition. Last evaluated: 2023-02-13. Review status: no assertion criteria provided. Collection method: clinical testing. Allele origin: germline. Not counted in ClinVar's aggregate classification.
Comment: This variant is classified as benign based on ACMG/AMP sequence variant interpretation guidelines (Richards et al. 2015 PMID: 25741868, with internal and published modifications).

Dr. Peter K. Rogan Lab, Western University
No classification provided (evidence only). Condition: Familial cancer of breast. Review status: no classification provided. Collection method: in vitro. Allele origin: not applicable. Functional consequence: retained intron. Not counted in ClinVar's aggregate classification.